The following is an entry in ClinVar:

NM_001040142.2(SCN2A):c.1687del (p.Arg563fs)

Gene: SCN2A (sodium voltage-gated channel alpha subunit 2; plus strand). Cytogenetic location: 2q24.3.
Variant type: Deletion.
Coding change: c.1687del on transcript NM_001040142.2 (MANE Select); coding-DNA position 1687, one base deleted (C; older notation c.1687delC).
Protein change: p.Arg563fs; shifts the reading frame from arginine 563.
Molecular consequence: frameshift variant.
Genome position (GRCh38, 1-based): chr2:165,323,171, C deleted; the last of 2 consecutive C bases (chr2:165,323,170-165,323,171); deleting either gives the same sequence. VCF-style (leftmost placement, unchanged base first): chr2-165323169-TC-T. GRCh37 (hg19) VCF-style: chr2-166179679-TC-T.
Other names: c.1687del, p.Arg563fs (NM_001040143.2, NM_001371246.1, NM_001371247.1 and 1 more transcripts); short protein forms R563fs.
Identifiers: ClinVar variation 2921528 (VCV002921528.3), dbSNP rs2467933285, ClinGen allele CA2740095810.

ClinVar aggregate classification (germline): Pathogenic (1 of 4 stars; one submission).

Conditions:
Developmental and epileptic encephalopathy, 11 (DEE11). Also called: Early infantile epileptic encephalopathy 11. Identifiers: Orphanet 1934, MedGen C3150987, MONDO:0013388, OMIM 613721.
Seizures, benign familial infantile, 3 (BFIS3). Also called: Familial neonatal seizures; CONVULSIONS, BENIGN FAMILIAL INFANTILE, 3. Identifiers: Orphanet 140927, Orphanet 306, MedGen C1843140, MONDO:0011904, OMIM 607745.

Submission:

Labcorp Genetics (formerly Invitae), Labcorp
Classification: Pathogenic for Seizures, benign familial infantile, 3; Developmental and epileptic encephalopathy, 11. Last evaluated: 2023-12-18. Review status: criteria provided, single submitter. Criteria: Invitae Variant Classification Sherloc (09022015). Collection method: clinical testing. Allele origin: germline.
Comment: This sequence change creates a premature translational stop signal (p.Arg563Valfs*78) in the SCN2A gene. It is expected to result in an absent or disrupted protein product. Loss-of-function variants in SCN2A are known to be pathogenic (PMID: 28379373). This variant is not present in population databases (gnomAD no frequency). This variant has not been reported in the literature in individuals affected with SCN2A-related conditions. For these reasons, this variant has been classified as Pathogenic.

Literature cited by the submitters: PubMed 28379373.